The following is an entry in ClinVar:

ClinVar aggregate classification (germline): Uncertain significance. Review status: criteria provided, multiple submitters, no conflicts (2 of 4 stars). 2 submissions from 2 submitters: Uncertain significance (2). Last evaluated 2024-04-04.

Conditions:
Growth retardation, intellectual developmental disorder, hypotonia, and hepatopathy (GRIDHH). Also called: GROWTH RETARDATION, IMPAIRED INTELLECTUAL DEVELOPMENT, HYPOTONIA, AND HEPATOPATHY. Identifiers: Orphanet 541423, MedGen C4310720, MONDO:0014911, OMIM 617093.

Allele frequency attached by ClinVar (database versions not stated): gnomAD exomes 0.00006 and 0.00008; ExAC 0.00007; gnomAD 0.00007 and 0.00008; ESP Exome Variant Server 0.00008; TOPMed 0.00009.
gnomAD v4.1: 123 of 1,613,802 alleles (0.0076%); highest among the groups gnomAD compares: African/African-American, 0.019%; no homozygotes.

Submissions (2):

Ambry Genetics
Classification: Uncertain significance. Last evaluated: 2024-04-04. Review status: criteria provided, single submitter. Criteria: Ambry Variant Classification Scheme 2023. Collection method: clinical testing. Allele origin: germline.

Baylor Genetics
Classification: Uncertain significance for Growth retardation, intellectual developmental disorder, hypotonia, and hepatopathy. Last evaluated: 2020-05-05. Review status: criteria provided, single submitter. Criteria: ACMG Guidelines, 2015. Collection method: clinical testing. Allele origin: unknown. Affected: yes.
Comment: This variant was determined to be of uncertain significance according to ACMG Guidelines, 2015 [PMID:25741868].

NM_002161.6(IARS1):c.2081G>A (p.Arg694Gln)

Gene: IARS1 (isoleucyl-tRNA synthetase 1; minus strand). Cytogenetic location: 9q22.31.
Variant type: single nucleotide variant.
Coding change: c.2081G>A on transcript NM_002161.6 (MANE Select); coding-DNA position 2081, G replaced by A.
Protein change: p.Arg694Gln; replaces arginine 694 with glutamine.
Molecular consequence: missense variant. On other transcripts: non-coding transcript variant (1).
Genome position (GRCh38, 1-based): chr9:92,256,736, C>T on the plus strand (G>A on the coding strand, the complement: IARS1 is on the minus strand). VCF-style: chr9-92256736-C-T. GRCh37 (hg19) VCF-style: chr9-95019018-C-T.
Other names: c.2081G>A, p.Arg694Gln (NM_001374299.1, NM_001374300.1, NM_001378572.1 and 13 more transcripts); c.1997G>A, p.Arg666Gln (NM_001374301.1); c.2144G>A, p.Arg715Gln (NM_001378569.1); c.2102G>A, p.Arg701Gln (NM_001378571.1); c.1958G>A, p.Arg653Gln (NM_001378583.1); c.2081G>A (NM_013417.2); short protein forms R653Q, R701Q, R715Q, R694Q, R666Q.
Identifiers: ClinVar variation 1030523 (VCV001030523.2), dbSNP rs142411431, ClinGen allele CA5122385.